The following is an entry in ClinVar:

NM_002972.4(SBF1):c.425C>T (p.Thr142Met)

Gene: SBF1 (SET binding factor 1; minus strand). Cytogenetic location: 22q13.33.
Variant type: single nucleotide variant.
Coding change: c.425C>T on transcript NM_002972.4 (MANE Select); coding-DNA position 425, C replaced by T.
Protein change: p.Thr142Met; replaces threonine 142 with methionine.
Molecular consequence: missense variant.
Genome position (GRCh38, 1-based): chr22:50,467,545, G>A on the plus strand (C>T on the coding strand, the complement: SBF1 is on the minus strand). VCF-style: chr22-50467545-G-A. GRCh37 (hg19) VCF-style: chr22-50905974-G-A.
Other names: c.428C>T, p.Thr143Met (NM_001365819.1); c.425C>T (NM_002972.2); short protein forms T143M, T142M.
Identifiers: ClinVar variation 1351551 (VCV001351551.6), dbSNP rs376741098, ClinGen allele CA10318106.

ClinVar aggregate classification (germline): Uncertain significance. Review status: criteria provided, multiple submitters, no conflicts (2 of 4 stars). 2 submissions from 2 submitters: Uncertain significance (2). Last evaluated 2024-04-29.

Allele frequency attached by ClinVar (database versions not stated): ExAC 0.00002; gnomAD 0.00002 and 0.00003; gnomAD exomes 0.00002 and 0.00003; TOPMed 0.00002; ESP Exome Variant Server 0.00008.

Submissions (2):

Ambry Genetics
Classification: Uncertain significance. Last evaluated: 2024-04-29. Review status: criteria provided, single submitter. Criteria: Ambry Variant Classification Scheme 2023. Collection method: clinical testing. Allele origin: germline.

Labcorp Genetics (formerly Invitae), Labcorp
Classification: Uncertain significance. Last evaluated: 2022-10-28. Review status: criteria provided, single submitter. Criteria: Invitae Variant Classification Sherloc (09022015). Collection method: clinical testing. Allele origin: germline.
Comment: This sequence change replaces threonine, which is neutral and polar, with methionine, which is neutral and non-polar, at codon 142 of the SBF1 protein (p.Thr142Met). This variant is present in population databases (rs376741098, gnomAD 0.006%). This variant has not been reported in the literature in individuals affected with SBF1-related conditions. ClinVar contains an entry for this variant (Variation ID: 1351551). Advanced modeling of protein sequence and biophysical properties (such as structural, functional, and spatial information, amino acid conservation, physicochemical variation, residue mobility, and thermodynamic stability) performed at Invitae indicates that this missense variant is expected to disrupt SBF1 protein function. In summary, the available evidence is currently insufficient to determine the role of this variant in disease. Therefore, it has been classified as a Variant of Uncertain Significance.